The following is an entry in ClinVar:

NM_004104.5(FASN):c.6397C>A (p.His2133Asn)

Gene: FASN (fatty acid synthase; minus strand). Cytogenetic location: 17q25.3.
Variant type: single nucleotide variant.
Coding change: c.6397C>A on transcript NM_004104.5 (MANE Select); coding-DNA position 6397, C replaced by A.
Protein change: p.His2133Asn; replaces histidine 2133 with asparagine.
Molecular consequence: missense variant.
Genome position (GRCh38, 1-based): chr17:82,081,610, G>T on the plus strand (C>A on the coding strand, the complement: FASN is on the minus strand). VCF-style: chr17-82081610-G-T. GRCh37 (hg19) VCF-style: chr17-80039486-G-T.
Other names: short protein forms H2133N.
Identifiers: ClinVar variation 4698029 (VCV004698029.1).

ClinVar aggregate classification (germline): Uncertain significance (1 of 4 stars; one submission).

Conditions:
Epileptic encephalopathy. Identifiers: MedGen C0543888, HP:0200134.

gnomAD v4.1: 1 of 1,612,488 alleles (0.000062%); highest among the groups gnomAD compares: Non-Finnish European, 0.000085%; no homozygotes.

Submission:

Labcorp Genetics (formerly Invitae), Labcorp
Classification: Uncertain significance for Epileptic encephalopathy. Last evaluated: 2025-03-19. Review status: criteria provided, single submitter. Criteria: Invitae Variant Classification Sherloc (09022015). Collection method: clinical testing. Allele origin: germline.
Comment: This sequence change replaces histidine, which is basic and polar, with asparagine, which is neutral and polar, at codon 2133 of the FASN protein (p.His2133Asn). The frequency data for this variant in the population databases is considered unreliable, as metrics indicate poor data quality at this position in the gnomAD database. This variant has not been reported in the literature in individuals affected with FASN-related conditions. An algorithm developed to predict the effect of missense changes on protein structure and function (PolyPhen-2) suggests that this variant is likely to be tolerated. In summary, the available evidence is currently insufficient to determine the role of this variant in disease. Therefore, it has been classified as a Variant of Uncertain Significance.